The following is an entry in ClinVar:

ClinVar aggregate classification (germline): Uncertain significance (1 of 4 stars; one submission).

gnomAD v4.1: 15 of 1,612,516 alleles (0.00093%); highest among the groups gnomAD compares: African/African-American, 0.0027%; no homozygotes.

Submission:

Labcorp Genetics (formerly Invitae), Labcorp
Classification: Uncertain significance. Last evaluated: 2023-03-03. Review status: criteria provided, single submitter. Criteria: Invitae Variant Classification Sherloc (09022015). Collection method: clinical testing. Allele origin: germline.
Comment: In summary, the available evidence is currently insufficient to determine the role of this variant in disease. Therefore, it has been classified as a Variant of Uncertain Significance. Advanced modeling of protein sequence and biophysical properties (such as structural, functional, and spatial information, amino acid conservation, physicochemical variation, residue mobility, and thermodynamic stability) performed at Invitae indicates that this missense variant is not expected to disrupt CACNA1E protein function. This variant has not been reported in the literature in individuals affected with CACNA1E-related conditions. This variant is not present in population databases (gnomAD no frequency). This sequence change replaces alanine, which is neutral and non-polar, with threonine, which is neutral and polar, at codon 1126 of the CACNA1E protein (p.Ala1126Thr).

NM_001205293.3(CACNA1E):c.3376G>A (p.Ala1126Thr)

Gene: CACNA1E (calcium voltage-gated channel subunit alpha1 E; plus strand). Cytogenetic location: 1q25.3.
Variant type: single nucleotide variant.
Coding change: c.3376G>A on transcript NM_001205293.3 (MANE Select); coding-DNA position 3376, G replaced by A.
Protein change: p.Ala1126Thr; replaces alanine 1126 with threonine.
Molecular consequence: missense variant.
Genome position (GRCh38, 1-based): chr1:181,736,388, G>A. VCF-style: chr1-181736388-G-A. GRCh37 (hg19) VCF-style: chr1-181705524-G-A.
Other names: c.3376G>A, p.Ala1126Thr (NM_000721.4); c.3319G>A, p.Ala1107Thr (NM_001205294.2); short protein forms A1126T, A1107T.
Identifiers: ClinVar variation 2974497 (VCV002974497.3), dbSNP rs1378877596, ClinGen allele CA343621681.